The following is an entry in ClinVar:

ClinVar aggregate classification (germline): Uncertain significance (1 of 4 stars; one submission).

Allele frequency attached by ClinVar (database versions not stated): TOPMed 0.00001.
gnomAD v4.1: 11 of 1,613,842 alleles (0.00068%); highest among the groups gnomAD compares: African/African-American, 0.0053%; no homozygotes.

Submission:

Labcorp Genetics (formerly Invitae), Labcorp
Classification: Uncertain significance. Last evaluated: 2022-08-31. Review status: criteria provided, single submitter. Criteria: Invitae Variant Classification Sherloc (09022015). Collection method: clinical testing. Allele origin: germline.
Comment: This sequence change replaces isoleucine, which is neutral and non-polar, with threonine, which is neutral and polar, at codon 125 of the HSD3B2 protein (p.Ile125Thr). This variant is present in population databases (no rsID available, gnomAD 0.01%). This variant has not been reported in the literature in individuals affected with HSD3B2-related conditions. Algorithms developed to predict the effect of missense changes on protein structure and function (SIFT, PolyPhen-2, Align-GVGD) all suggest that this variant is likely to be tolerated. In summary, the available evidence is currently insufficient to determine the role of this variant in disease. Therefore, it has been classified as a Variant of Uncertain Significance.

NM_000198.4(HSD3B2):c.374T>C (p.Ile125Thr)

Gene: HSD3B2 (hydroxy-delta-5-steroid dehydrogenase, 3 beta- and steroid delta-isomerase 2; plus strand). Cytogenetic location: 1p12.
Variant type: single nucleotide variant.
Coding change: c.374T>C on transcript NM_000198.4 (MANE Select); coding-DNA position 374, T replaced by C.
Protein change: p.Ile125Thr; replaces isoleucine 125 with threonine.
Molecular consequence: missense variant.
Genome position (GRCh38, 1-based): chr1:119,421,875, T>C. VCF-style: chr1-119421875-T-C. GRCh37 (hg19) VCF-style: chr1-119964498-T-C.
Other names: c.374T>C, p.Ile125Thr (NM_001166120.2); short protein forms I125T.
Identifiers: ClinVar variation 1931250 (VCV001931250.2), dbSNP rs1419207546, ClinGen allele CA341396119.